The following is an entry in ClinVar:

ClinVar aggregate classification (germline): Uncertain significance (1 of 4 stars; one submission).

gnomAD v4.1: 13 of 1,612,238 alleles (0.00081%); highest among the groups gnomAD compares: Admixed American, 0.0084%; no homozygotes.

Submission:

Labcorp Genetics (formerly Invitae), Labcorp
Classification: Uncertain significance. Last evaluated: 2025-10-03. Review status: criteria provided, single submitter. Criteria: Invitae Variant Classification Sherloc (09022015). Collection method: clinical testing. Allele origin: germline.
Comment: This sequence change replaces glutamic acid, which is acidic and polar, with lysine, which is basic and polar, at codon 335 of the EDNRA protein (p.Glu335Lys). This variant is present in population databases (rs771470596, gnomAD 0.01%). This variant has not been reported in the literature in individuals affected with EDNRA-related conditions. Invitae Evidence Modeling of protein sequence and biophysical properties (such as structural, functional, and spatial information, amino acid conservation, physicochemical variation, residue mobility, and thermodynamic stability) indicates that this missense variant is not expected to disrupt EDNRA protein function with a negative predictive value of 80%. In summary, the available evidence is currently insufficient to determine the role of this variant in disease. Therefore, it has been classified as a Variant of Uncertain Significance.

NM_001957.4(EDNRA):c.1003G>A (p.Glu335Lys)

Gene: EDNRA (endothelin receptor type A; plus strand). Cytogenetic location: 4q31.23.
Variant type: single nucleotide variant.
Coding change: c.1003G>A on transcript NM_001957.4 (MANE Select); coding-DNA position 1003, G replaced by A.
Protein change: p.Glu335Lys; replaces glutamic acid 335 with lysine.
Molecular consequence: missense variant. On other transcripts: non-coding transcript variant (3).
Genome position (GRCh38, 1-based): chr4:147,539,919, G>A. VCF-style: chr4-147539919-G-A. GRCh37 (hg19) VCF-style: chr4-148461071-G-A.
Other names: c.676G>A, p.Glu226Lys (NM_001166055.2); short protein forms E335K, E226K.
Identifiers: ClinVar variation 4698084 (VCV004698084.1).